The following is an entry in ClinVar:

ClinVar aggregate classification (germline): Uncertain significance. Review status: reviewed by expert panel (3 of 4 stars). 2 submissions from 2 submitters: Uncertain significance (1). 1 of the submissions does not count toward it. Last evaluated 2025-04-08.

Conditions:
Monogenic diabetes. Identifiers: Orphanet 183625, MedGen C3888631, MONDO:0015967.

gnomAD v4.1: 7 of 1,613,236 alleles (0.00043%); highest among the groups gnomAD compares: Non-Finnish European, 0.00025%; no homozygotes.

Submissions (2):

ClinGen Monogenic Diabetes Variant Curation Expert Panel
Classification: Uncertain significance for Monogenic diabetes. Last evaluated: 2025-04-08. Review status: reviewed by expert panel. Criteria: ClinGen Diabetes ACMG Specifications HNF4A V2.0.0. Collection method: curation. Allele origin: germline. Inheritance: Autosomal dominant inheritance.
Comment: The c.882G>C variant in the hepatocyte nuclear factor 4-alpha gene, HNF4A, causes an amino acid change of glutamine to histidine at codon 294 (p.(Gln294His)) of NM_175914.5. This variant has an incomputable gnomAD v2.1.1 Grpmax filtering allele frequency due to 1 copy in the European non-Finnish subpopulation and 1 copy in any other subpopulation, thereby meeting the ClinGen MDEP threshold criteria for PM2_Supporting (ENF Grpmax FAF <= 0.000003 and <= 2 copies in ENF and <=1 copy in any other subpopulation) (PM2_Supporting). This variant is predicted to be deleterious by computational evidence, with a REVEL score of 0.851, which is greater than the MDEP VCEP threshold of 0.70 (PP3). Other missense variants at this same codon, c.881A>C p.(Gln294Pro) and c.881A>G p.(Gln294Arg), have been classified as VUS by the ClinGen MDEP; therefore, PM5 will not be applied. In summary, c.882G>C meets the criteria to be classified as variant of uncertain significance for monogenic diabetes. ACMG/AMP criteria applied, as specified by the ClinGen MDEP (specification version 2.0.0, approved 10/11/2023): PM2_Supporting, PP3.

Dasa
Classification: Uncertain significance. Last evaluated: 2025-05-16. Review status: criteria provided, single submitter. Criteria: DASA Assertion Criteria. Collection method: clinical testing. Allele origin: germline. Not counted in ClinVar's aggregate classification.
Comment: NM_175914.5(HNF4A):c.882G>C (p.Gln294His) is a missense variant that results in the substitution of glutamine with histidine. This variant is rare in population databases. Computational prediction algorithms are consistent with a deleterious effect. The currently available literature and clinical evidence are not sufficient to establish a definitive association between this variant and the reported condition. Therefore, this variant is classified as a variant of uncertain significance.

NM_175914.5(HNF4A):c.882G>C (p.Gln294His)

Gene: HNF4A (hepatocyte nuclear factor 4 alpha; plus strand). Cytogenetic location: 20q13.12.
Variant type: single nucleotide variant.
Coding change: c.882G>C on transcript NM_175914.5 (MANE Select); coding-DNA position 882, G replaced by C.
Protein change: p.Gln294His; replaces glutamine 294 with histidine.
Molecular consequence: missense variant.
Genome position (GRCh38, 1-based): chr20:44,424,073, G>C. VCF-style: chr20-44424073-G-C. GRCh37 (hg19) VCF-style: chr20-43052713-G-C.
Other names: NM_175914.5:c.882G>C; c.948G>C, p.Gln316His (NM_000457.6, NM_178849.3, NM_178850.3); c.882G>C, p.Gln294His (NM_001030003.3, NM_001030004.3); c.927G>C, p.Gln309His (NM_001258355.2); c.873G>C, p.Gln291His (NM_001287182.2, NM_001287183.2, NM_001287184.2); short protein forms Q291H, Q294H, Q309H, Q316H.
Identifiers: ClinVar variation 3901831 (VCV003901831.3).
Genomic context (GRCh38, chr20:44,424,073, plus strand): 5'-TGTAGATGCCAAGGGGCTGAGCGATCCAGGGAAGATCAAGCGGCTGCGTTCCCAGGTGCA[G>C]GTGAGCTTGGAGGACTACATCAACGACCGCCAGTATGACTCGCGTGGCCGCTTTGGAGAG-3'
Protein context (NP_787110.2, residues 284-304): GKIKRLRSQV[Gln294His]VSLEDYINDR